The following is an entry in ClinVar:

ClinVar aggregate classification (germline): Uncertain significance. Review status: criteria provided, multiple submitters, no conflicts (2 of 4 stars). 8 submissions from 8 submitters: Uncertain significance (7). 1 of the submissions does not count toward it. Last evaluated 2026-07-20.

Conditions:
AIRE-related disorder. Also called: AIRE-related condition.
Polyglandular autoimmune syndrome, type 1 (APS1). Also called: APS I; AUTOIMMUNE POLYENDOCRINE SYNDROME, TYPE I, WITH OR WITHOUT REVERSIBLE METAPHYSEAL DYSPLASIA; Autoimmune polyendocrinopathy syndrome, type I; Autoimmune polyendocrine syndrome type 1; Whitaker syndrome; Autoimmune polyendocrinopathy syndrome , type I, with or without reversible metaphyseal dysplasia. Identifiers: Orphanet 3453, MedGen C0085859, MONDO:0009411, OMIM 240300.

Allele frequency attached by ClinVar (database versions not stated): gnomAD exomes 0.00019 and 0.00042; ExAC 0.00020; TOPMed 0.00022; gnomAD 0.00023 and 0.00024; ESP Exome Variant Server 0.00047.
gnomAD v4.1: 675 of 1,612,640 alleles (0.042%); highest among the groups gnomAD compares: Non-Finnish European, 0.053%; 2 homozygotes.

Submissions (8):

PreventionGenetics, part of Exact Sciences
Classification: Uncertain significance for AIRE-related condition. Last evaluated: 2026-07-20. Review status: criteria provided, single submitter. Criteria: ACMG Guidelines, 2015. Collection method: clinical testing. Allele origin: germline.
Comment: The AIRE c.342G>T variant is predicted to result in the amino acid substitution p.Lys114Asn. This variant has been reported in an individual with deficient anterior pituitary with variable immune deficiency (DAVID) syndrome, however this variant was also observed in the patient's unaffected mother, and the patient was also found to have a de novo NFKB2 variant (Lal et al. 2017. PubMed ID: 28472507). This variant is reported in 0.040% of alleles in individuals of European (Non-Finnish) descent in gnomAD. At this time, the clinical significance of this variant is uncertain due to the absence of conclusive functional and genetic evidence.

Labcorp Genetics (formerly Invitae), Labcorp
Classification: Uncertain significance for Polyglandular autoimmune syndrome, type 1. Last evaluated: 2024-12-25. Review status: criteria provided, single submitter. Criteria: Invitae Variant Classification Sherloc (09022015). Collection method: clinical testing. Allele origin: germline.
Comment: This sequence change replaces lysine, which is basic and polar, with asparagine, which is neutral and polar, at codon 114 of the AIRE protein (p.Lys114Asn). This variant is present in population databases (rs142788946, gnomAD 0.04%). This missense change has been observed in individual(s) with clinical features of AIRE-related conditions (PMID: 28472507). ClinVar contains an entry for this variant (Variation ID: 35663). Invitae Evidence Modeling of protein sequence and biophysical properties (such as structural, functional, and spatial information, amino acid conservation, physicochemical variation, residue mobility, and thermodynamic stability) has been performed for this missense variant. However, the output from this modeling did not meet the statistical confidence thresholds required to predict the impact of this variant on AIRE protein function. In summary, the available evidence is currently insufficient to determine the role of this variant in disease. Therefore, it has been classified as a Variant of Uncertain Significance.

Department of Pathology and Laboratory Medicine, Sinai Health System
Classification: Uncertain significance for autoimmune polyendocrine syndrome type 1. Last evaluated: 2022-06-01. Review status: criteria provided, single submitter. Criteria: ACMG Guidelines, 2015. Collection method: research. Allele origin: germline.

Fulgent Genetics
Classification: Uncertain significance for Polyglandular autoimmune syndrome, type 1. Last evaluated: 2022-04-20. Review status: criteria provided, single submitter. Criteria: ACMG Guidelines, 2015. Collection method: clinical testing. Allele origin: unknown.

Women's Health and Genetics/Laboratory Corporation of America, LabCorp
Classification: Uncertain significance. Last evaluated: 2021-11-30. Review status: criteria provided, single submitter. Criteria: LabCorp Variant Classification Summary - May 2015. Collection method: clinical testing. Allele origin: germline.
Comment: Variant summary: AIRE c.342G>T (p.Lys114Asn) results in a non-conservative amino acid change in the encoded protein sequence. Four of five in-silico tools predict a damaging effect of the variant on protein function. The variant allele was found at a frequency of 0.00019 in 246278 control chromosomes (gnomAD). This frequency is not significantly higher than expected for a pathogenic variant in AIRE causing Autoimmune Polyglandular Syndrome Type 1 (0.00019 vs 0.0028), allowing no conclusion about variant significance. c.342G>T has been reported in the literature in one individual affected with common variable immunodeficiency (Lai_2017). The report does not provide unequivocal conclusions about association of the variant with Autoimmune Polyglandular Syndrome Type 1. To our knowledge, no experimental evidence demonstrating an impact on protein function has been reported. Three ClinVar submitters (evaluation after 2014) cite the variant as uncertain significance. Based on the evidence outlined above, the variant was classified as uncertain significance.

GeneDx
Classification: Uncertain significance. Last evaluated: 2019-06-13. Review status: criteria provided, single submitter. Criteria: GeneDx Variant Classification Process June 2021. Collection method: clinical testing. Allele origin: germline. Affected: yes.
Comment: In silico analysis, which includes protein predictors and evolutionary conservation, supports a deleterious effect; In-silico analysis, which includes splice predictors and evolutionary conservation, is inconclusive as to whether the variant alters gene splicing. In the absence of RNA/functional studies, the actual effect of this sequence change is unknown.; This variant is associated with the following publications: (PMID: 28472507)

Breakthrough Genomics
Classification: Uncertain significance. Review status: criteria provided, single submitter. Criteria: ACMG Guidelines, 2015. Collection method: not provided. Allele origin: germline. Inheritance: Autosomal dominant inheritance. Affected: yes.

Natera, Inc.
Classification: Uncertain significance for Polyglandular autoimmune syndrome type 1. Last evaluated: 2020-04-20. Review status: no assertion criteria provided. Collection method: clinical testing. Allele origin: germline. Not counted in ClinVar's aggregate classification.

Literature cited by the submitters: PubMed 28472507 (cited by Labcorp Genetics (formerly Invitae), Labcorp and Women's Health and Genetics/Laboratory Corporation of America, LabCorp); PubMed 33352647 (cited by Women's Health and Genetics/Laboratory Corporation of America, LabCorp).

NM_000383.4(AIRE):c.342G>T (p.Lys114Asn)

Gene: AIRE (autoimmune regulator; plus strand). Cytogenetic location: 21q22.3.
Variant type: single nucleotide variant.
Coding change: c.342G>T on transcript NM_000383.4 (MANE Select); coding-DNA position 342, G replaced by T.
Protein change: p.Lys114Asn; replaces lysine 114 with asparagine.
Molecular consequence: missense variant.
Genome position (GRCh38, 1-based): chr21:44,287,012, G>T. VCF-style: chr21-44287012-G-T. GRCh37 (hg19) VCF-style: chr21-45706895-G-T.
Other names: c.342G>T (LRG_18t1); short protein forms K114N.
Identifiers: ClinVar variation 35663 (VCV000035663.13), dbSNP rs142788946, ClinGen allele CA213503.